The following is an entry in ClinVar:

NM_022455.5(NSD1):c.2645C>G (p.Ser882Ter)

Gene: NSD1 (nuclear receptor binding SET domain protein 1; plus strand). Cytogenetic location: 5q35.3.
Variant type: single nucleotide variant.
Coding change: c.2645C>G on transcript NM_022455.5 (MANE Select); coding-DNA position 2645, C replaced by G.
Protein change: p.Ser882Ter; replaces serine 882 with a stop codon.
Molecular consequence: nonsense.
Genome position (GRCh38, 1-based): chr5:177,211,044, C>G. VCF-style: chr5-177211044-C-G. GRCh37 (hg19) VCF-style: chr5-176638045-C-G.
Other names: c.2645C>G, p.Ser882Ter (NM_001409301.1, NM_001409302.1, NM_001409303.1); c.2225C>G, p.Ser742Ter (NM_001409304.1); c.1892C>G, p.Ser631Ter (NM_001409305.1); c.1772C>G, p.Ser591Ter (NM_001409306.1, NM_001409307.1, NM_001409308.1 and 3 more transcripts); short protein forms S613*, S882*, S742*, S591*, S631*.
Identifiers: ClinVar variation 1071686 (VCV001071686.11), dbSNP rs2149845949, ClinGen allele CA362319368.
Genomic context (GRCh38, chr5:177,211,044, plus strand): 5'-CCGAGTTGAAGGAACTCTCTTACAGATCCTTAGGTGAGGATGTCAGTGACTCTGGAACAT[C>G]AAAGCCATCAAAACCATTACTTTTCTCTTCTGCTTCTAGTCAGAATCACATACCTATTGA-3'

ClinVar aggregate classification (germline): Pathogenic/Likely pathogenic. Review status: criteria provided, multiple submitters, no conflicts (2 of 4 stars). 5 submissions from 5 submitters: Pathogenic (3); Likely pathogenic (1). 1 of the submissions does not count toward it. Last evaluated 2026-02-08.

Conditions:
Sotos syndrome (SOTOS). Also called: Sotos' syndrome; CHROMOSOME 5q35 DELETION SYNDROME; SOTOS SYNDROME 1; Distinctive facial appearance, overgrowth in childhood, and learning disabilities or delayed development; CEREBRAL GIGANTISM. Identifiers: Orphanet 821, MedGen C0175695, MONDO:0019349, OMIM 117550.

Submissions (5):

GeneDx
Classification: Pathogenic. Last evaluated: 2026-02-08. Review status: criteria provided, single submitter. Criteria: GeneDx Variant Classification Process June 2021. Collection method: clinical testing. Allele origin: germline. Affected: yes.
Comment: Identified in a patient with intellectual disability, gross motor delay, and craniosynostosis in published literature (PMID: 38129582); Nonsense variant predicted to result in protein truncation or nonsense mediated decay in a gene for which loss of function is a known mechanism of disease; Not observed at significant frequency in large population cohorts (gnomAD); This variant is associated with the following publications: (PMID: 38129582)

Laboratorio de Genetica e Diagnostico Molecular, Hospital Israelita Albert Einstein
Classification: Likely pathogenic for Sotos syndrome. Last evaluated: 2026-01-23. Review status: criteria provided, single submitter. Criteria: ACMG Guidelines, 2015. Collection method: clinical testing. Allele origin: germline. Affected: yes.
Comment: ACMG classification criteria: PVS1 very strong, PM2 supporting

Women's Health and Genetics/Laboratory Corporation of America, LabCorp
Classification: Pathogenic for Sotos syndrome. Last evaluated: 2023-06-27. Review status: criteria provided, single submitter. Criteria: LabCorp Variant Classification Summary - May 2015. Collection method: clinical testing. Allele origin: germline.
Comment: Variant summary: NSD1 c.2645C>G (p.Ser882X) results in a premature termination codon, predicted to cause a truncation of the encoded protein or absence of the protein due to nonsense mediated decay, which are commonly known mechanisms for disease. The variant was absent in 251406 control chromosomes (gnomAD). To our knowledge, no occurrence of c.2645C>G in individuals affected with Sotos Syndrome 1 and no experimental evidence demonstrating its impact on protein function have been reported. Two ClinVar submitters have assessed the variant since 2014: both classified the variant as pathogenic. Based on the evidence outlined above, the variant was classified as pathogenic.

Labcorp Genetics (formerly Invitae), Labcorp
Classification: Pathogenic. Last evaluated: 2020-10-09. Review status: criteria provided, single submitter. Criteria: Invitae Variant Classification Sherloc (09022015). Collection method: clinical testing. Allele origin: germline.
Comment: This sequence change creates a premature translational stop signal (p.Ser882*) in the NSD1 gene. It is expected to result in an absent or disrupted protein product. This variant is not present in population databases (ExAC no frequency). This variant has not been reported in the literature in individuals with NSD1-related conditions. Loss-of-function variants in NSD1 are known to be pathogenic (PMID: 12464997, 14571271, 15942875, 16247291). For these reasons, this variant has been classified as Pathogenic.

Department of Rehabilitation Medicine, Incheon St. Mary’s Hospital, College of Medicine, The Catholic University of Korea
Classification: Pathogenic for Sotos syndrome. Review status: no assertion criteria provided. Collection method: clinical testing. Allele origin: unknown. Affected: yes. Not counted in ClinVar's aggregate classification.

Literature cited by the submitters: PubMed 12464997 (cited by Labcorp Genetics (formerly Invitae), Labcorp); PubMed 14571271 (cited by Labcorp Genetics (formerly Invitae), Labcorp); PubMed 15942875 (cited by Labcorp Genetics (formerly Invitae), Labcorp); PubMed 16247291 (cited by Labcorp Genetics (formerly Invitae), Labcorp).